The following is an entry in ClinVar:

ClinVar aggregate classification (germline): Conflicting classifications of pathogenicity. Review status: criteria provided, conflicting classifications (1 of 4 stars). 14 submissions from 10 submitters: Uncertain significance (4); Benign (6); Likely benign (4). Last evaluated 2026-03-13.

Conditions:
TTN-related disorder. Also called: TTN-related condition; TTN-related disease; TTN-related disorders.
Cardiovascular phenotype. Identifiers: MedGen CN230736.
Dilated cardiomyopathy 1G (CMD1G). Identifiers: Orphanet 154, MedGen C1858763, MONDO:0011400, OMIM 604145.
Autosomal recessive limb-girdle muscular dystrophy type 2J (LGMDR10). Also called: Limb-girdle muscular dystrophy, type 2J; MUSCULAR DYSTROPHY, LIMB-GIRDLE, AUTOSOMAL RECESSIVE 10. Identifiers: Orphanet 140922, MedGen C1837342, MONDO:0012127, OMIM 608807.
Cardiomyopathy (CMYO). Also called: Cardiomyopathies. Identifiers: Orphanet 167848, MedGen C0878544, MONDO:0004994, HP:0001638. Inheritance: Various modes of inheritance.
Early-onset myopathy with fatal cardiomyopathy (CMYO5). Also called: Salih Myopathy; CONGENITAL MYOPATHY 5 WITH CARDIOMYOPATHY. Identifiers: Orphanet 289377, MedGen C2673677, MONDO:0012714, OMIM 611705. Disease mechanism: loss of function.
Myopathy, myofibrillar, 9, with early respiratory failure (MFM9). Also called: Hereditary myopathy with early respiratory failure; MYOPATHY, PROXIMAL, WITH EARLY RESPIRATORY MUSCLE INVOLVEMENT; Myopathy, distal, with early respiratory failure, autosomal dominant; EDSTROM MYOPATHY. Identifiers: Orphanet 178464, Orphanet 34521, MedGen C1863599, MONDO:0011362, OMIM 603689.
Tibial muscular dystrophy (TMD). Also called: UDD MYOPATHY; Tibial muscular dystrophy, tardive; Udd Distal Myopathy – Tibial Muscular Dystrophy. Identifiers: Orphanet 609, MedGen C1838244, MONDO:0010870, OMIM 600334.

Allele frequency attached by ClinVar (database versions not stated): gnomAD 0.00001 and 0.00022; TOPMed 0.00005; gnomAD exomes 0.00027 and 0.00057; ExAC 0.00059; 1000 Genomes Project 30x 0.00109; 1000 Genomes Project 0.00120.
gnomAD v4.1: 427 of 1,613,386 alleles (0.026%); highest among the groups gnomAD compares: South Asian, 0.44%; 7 homozygotes.

Submissions (14):

Women's Health and Genetics/Laboratory Corporation of America, LabCorp
Classification: Likely benign. Last evaluated: 2026-03-13. Review status: criteria provided, single submitter. Criteria: LabCorp Variant Classification Summary - May 2015. Collection method: clinical testing. Allele origin: germline.

PreventionGenetics, part of Exact Sciences
Classification: Likely benign for TTN-related condition. Last evaluated: 2026-02-02. Review status: criteria provided, single submitter. Criteria: ACMG Guidelines, 2015. Collection method: clinical testing. Allele origin: germline.
Comment: This variant is classified as likely benign based on ACMG/AMP sequence variant interpretation guidelines (Richards et al. 2015 PMID: 25741868, with internal and published modifications).

Labcorp Genetics (formerly Invitae), Labcorp
Classification: Benign for Dilated cardiomyopathy 1G; Autosomal recessive limb-girdle muscular dystrophy type 2J. Last evaluated: 2025-12-15. Review status: criteria provided, single submitter. Criteria: Invitae Variant Classification Sherloc (09022015). Collection method: clinical testing. Allele origin: germline.

Blueprint Genetics
Classification: Likely benign. Last evaluated: 2024-11-11. Review status: criteria provided, single submitter. Criteria: ACMG Guidelines, 2015. Collection method: clinical testing. Allele origin: germline.

CHEO Genetics Diagnostic Laboratory, Children's Hospital of Eastern Ontario
Classification: Benign for Cardiomyopathy. Last evaluated: 2023-06-19. Review status: criteria provided, single submitter. Criteria: ACMG Guidelines, 2015. Collection method: clinical testing. Allele origin: germline.

Athena Diagnostics
Classification: Benign. Last evaluated: 2020-04-01. Review status: criteria provided, single submitter. Criteria: Athena Diagnostics Criteria. Collection method: clinical testing. Allele origin: unknown.

Ambry Genetics
Classification: Likely benign for Cardiovascular phenotype. Last evaluated: 2020-03-06. Review status: criteria provided, single submitter. Criteria: Ambry Variant Classification Scheme 2023. Collection method: clinical testing. Allele origin: germline.

GeneDx
Classification: Benign. Last evaluated: 2020-02-12. Review status: criteria provided, single submitter. Criteria: GeneDx Variant Classification Process June 2021. Collection method: clinical testing. Allele origin: germline. Affected: yes.

Illumina Laboratory Services, Illumina
Classification: Uncertain significance for Autosomal recessive limb-girdle muscular dystrophy type 2J. Last evaluated: 2018-01-12. Review status: criteria provided, single submitter. Criteria: ICSL Variant Classification Criteria 13 December 2019. Collection method: clinical testing. Allele origin: germline.

Illumina Laboratory Services, Illumina
Classification: Benign for Myopathy, myofibrillar, 9, with early respiratory failure. Last evaluated: 2018-01-12. Review status: criteria provided, single submitter. Criteria: ICSL Variant Classification Criteria 13 December 2019. Collection method: clinical testing. Allele origin: germline.
Comment: This variant was observed in the ICSL laboratory as part of a predisposition screen in an ostensibly healthy population. It had not been previously curated by ICSL or reported in the Human Gene Mutation Database (HGMD: prior to June 1st, 2018), and was therefore a candidate for classification through an automated scoring system. Utilizing variant allele frequency, disease prevalence and penetrance estimates, and inheritance mode, an automated score was calculated to assess if this variant is too frequent to cause the disease. Based on the score and internal cut-off values, a variant classified as benign is not then subjected to further curation. The score for this variant resulted in a classification of benign for this disease.

Illumina Laboratory Services, Illumina
Classification: Uncertain significance for Early-onset myopathy with fatal cardiomyopathy. Last evaluated: 2018-01-12. Review status: criteria provided, single submitter. Criteria: ICSL Variant Classification Criteria 13 December 2019. Collection method: clinical testing. Allele origin: germline.

Illumina Laboratory Services, Illumina
Classification: Benign for Tibial muscular dystrophy. Last evaluated: 2018-01-12. Review status: criteria provided, single submitter. Criteria: ICSL Variant Classification Criteria 13 December 2019. Collection method: clinical testing. Allele origin: germline.
Comment: the same text as in the submission from Illumina Laboratory Services, Illumina above.

Illumina Laboratory Services, Illumina
Classification: Uncertain significance for Dilated cardiomyopathy 1G. Last evaluated: 2018-01-12. Review status: criteria provided, single submitter. Criteria: ICSL Variant Classification Criteria 13 December 2019. Collection method: clinical testing. Allele origin: germline.

Laboratory for Molecular Medicine, Mass General Brigham Personalized Medicine
Classification: Uncertain significance. Last evaluated: 2014-07-21. Review status: criteria provided, single submitter. Criteria: LMM Criteria. Collection method: clinical testing. Allele origin: germline. Observed: 1 variant allele.
Comment: The Glu18191Lys variant in TTN has not been previously reported in individuals w ith cardiomyopathy and was absent from large population studies. Computational p rediction tools and conservation analysis do not provide strong support for or a gainst an impact to the protein. In summary, the clinical significance of the Gl u18191Lys variant is uncertain.

NM_001267550.2(TTN):c.62275G>A (p.Glu20759Lys)

Genes: TTN (titin; minus strand), TTN-AS1 (TTN antisense RNA 1; plus strand). Cytogenetic location: 2q31.2.
Variant type: single nucleotide variant.
Coding change: c.62275G>A on transcript NM_001267550.2 (MANE Select); coding-DNA position 62275, G replaced by A.
Protein change: p.Glu20759Lys; replaces glutamic acid 20759 with lysine.
Molecular consequence: missense variant.
Genome position (GRCh38, 1-based): chr2:178,589,450, C>T on the plus strand (G>A on the coding strand, the complement: TTN is on the minus strand). VCF-style: chr2-178589450-C-T. GRCh37 (hg19) VCF-style: chr2-179454177-C-T.
Other names: p.E19118K:GAA>AAA; c.35080G>A, p.Glu11694Lys (NM_003319.4); c.35455G>A, p.Glu11819Lys (NM_133432.3); c.35656G>A, p.Glu11886Lys (NM_133437.4); c.57352G>A, p.Glu19118Lys (NM_001256850.1); c.54571G>A, p.Glu18191Lys (NM_133378.4); short protein forms E18191K, E20759K, E19118K, E11819K, E11694K, E11886K.
Identifiers: ClinVar variation 165915 (VCV000165915.27), dbSNP rs562680371, ClinGen allele CA178633.